The following is an entry in ClinVar:

ClinVar aggregate classification (germline): Likely benign (1 of 4 stars; one submission).

gnomAD v4.1: 33 of 1,614,148 alleles (0.002%); highest among the groups gnomAD compares: South Asian, 0.03%; 1 homozygote.

Submission:

CeGaT Center for Human Genetics Tuebingen
Classification: Likely benign. Last evaluated: 2024-09-01. Review status: criteria provided, single submitter. Criteria: CeGaT Center For Human Genetics Tuebingen Variant Classification Criteria Version 2. Collection method: clinical testing. Allele origin: germline. Affected: yes. Observed: 1 variant allele.
Comment: TDP2: BP4, BP7

NM_016614.3(TDP2):c.120C>T (p.Ala40=)

Genes: TDP2 (tyrosyl-DNA phosphodiesterase 2; minus strand), LOC113174982 (Sharpr-MPRA regulatory region 5933; plus strand). Cytogenetic location: 6p22.3.
Variant type: single nucleotide variant.
Coding change: c.120C>T on transcript NM_016614.3 (MANE Select); coding-DNA position 120, C replaced by T.
Protein change: p.Ala40=; no amino-acid change (alanine 40 retained).
Molecular consequence: synonymous variant.
Genome position (GRCh38, 1-based): chr6:24,666,743, G>A on the plus strand (C>T on the coding strand, the complement: TDP2 is on the minus strand). VCF-style: chr6-24666743-G-A. GRCh37 (hg19) VCF-style: chr6-24666971-G-A.
Identifiers: ClinVar variation 3389148 (VCV003389148.14).